The following is an entry in ClinVar:

ClinVar aggregate classification (germline): Uncertain significance (1 of 4 stars; one submission).

gnomAD v4.1: 2 of 1,613,732 alleles (0.00012%); highest among the groups gnomAD compares: Non-Finnish European, 0.000085%; no homozygotes.

Submission:

GeneDx
Classification: Uncertain significance. Last evaluated: 2026-02-04. Review status: criteria provided, single submitter. Criteria: GeneDx Variant Classification Process June 2021. Collection method: clinical testing. Allele origin: germline.
Comment: Not observed at significant frequency in large population cohorts (gnomAD); In silico analysis suggests that this missense variant does not alter protein structure/function; Has not been previously published as pathogenic or benign to our knowledge

NM_018109.4(MTPAP):c.1109T>G (p.Ile370Ser)

Gene: MTPAP (mitochondrial poly(A) polymerase; minus strand). Cytogenetic location: 10p11.23.
Variant type: single nucleotide variant.
Coding change: c.1109T>G on transcript NM_018109.4 (MANE Select); coding-DNA position 1109, T replaced by G.
Protein change: p.Ile370Ser; replaces isoleucine 370 with serine.
Molecular consequence: missense variant.
Genome position (GRCh38, 1-based): chr10:30,322,501, A>C on the plus strand (T>G on the coding strand, the complement: MTPAP is on the minus strand). VCF-style: chr10-30322501-A-C. GRCh37 (hg19) VCF-style: chr10-30611430-A-C.
Other names: short protein forms I370S.
Identifiers: ClinVar variation 4975933 (VCV004975933.1).
Genomic context (GRCh38, chr10:30,322,501, plus strand): 5'-CTCTGGAGAAAAAAGATGACCATCATTGTAAGGGAGAAATTTGTAATCCATGCACCAGGA[A>C]TACTACTTGTTAGTGAATGTGCTCGAGCCCAGCACCGTACACTGAACACCAAGGCTCTCA-3'
Protein context (NP_060579.3, residues 360-380): WARAHSLTSS[Ile370Ser]PGAWITNFSL